The following is an entry in ClinVar:

NM_001376.5(DYNC1H1):c.92A>G (p.Gln31Arg)

Gene: DYNC1H1 (dynein cytoplasmic 1 heavy chain 1; plus strand). Cytogenetic location: 14q32.31.
Variant type: single nucleotide variant.
Coding change: c.92A>G on transcript NM_001376.5 (MANE Select); coding-DNA position 92, A replaced by G.
Protein change: p.Gln31Arg; replaces glutamine 31 with arginine.
Molecular consequence: missense variant.
Genome position (GRCh38, 1-based): chr14:101,964,783, A>G. VCF-style: chr14-101964783-A-G. GRCh37 (hg19) VCF-style: chr14-102431120-A-G.
Other names: short protein forms Q31R.
Identifiers: ClinVar variation 581712 (VCV000581712.10), dbSNP rs1043956265, ClinGen allele CA266961870.

ClinVar aggregate classification (germline): Conflicting classifications of pathogenicity. Review status: criteria provided, conflicting classifications (1 of 4 stars). 3 submissions from 3 submitters: Uncertain significance (2); Likely benign (1). Last evaluated 2025-12-02.

Conditions:
Charcot-Marie-Tooth disease axonal type 2O. Also called: Charcot-Marie-Tooth disease, axonal, type 20; CHARCOT-MARIE-TOOTH NEUROPATHY, AXONAL, TYPE 2O; CHARCOT-MARIE-TOOTH DISEASE, AXONAL, AUTOSOMAL DOMINANT, TYPE 2O; Charcot-Marie-Tooth Neuropathy Type 2O. Identifiers: Orphanet 284232, MedGen C3280220, MONDO:0013644, OMIM 614228.
Inborn genetic diseases. Identifiers: MedGen C0950123, MeSH D030342.

Allele frequency attached by ClinVar (database versions not stated): gnomAD exomes below 0.00001 and 0.00001; gnomAD 0.00001; TOPMed 0.00002.
gnomAD v4.1: 11 of 1,602,030 alleles (0.00069%); highest among the groups gnomAD compares: Admixed American, 0.0051%; no homozygotes.

Submissions (3):

Labcorp Genetics (formerly Invitae), Labcorp
Classification: Likely benign for Charcot-Marie-Tooth disease axonal type 2O. Last evaluated: 2025-12-02. Review status: criteria provided, single submitter. Criteria: Invitae Variant Classification Sherloc (09022015). Collection method: clinical testing. Allele origin: germline.

Ambry Genetics
Classification: Uncertain significance for Inborn genetic diseases. Last evaluated: 2023-12-14. Review status: criteria provided, single submitter. Criteria: Ambry Variant Classification Scheme 2023. Collection method: clinical testing. Allele origin: germline.

GeneDx
Classification: Uncertain significance. Last evaluated: 2021-06-18. Review status: criteria provided, single submitter. Criteria: GeneDx Variant Classification Process June 2021. Collection method: clinical testing. Allele origin: germline. Affected: yes.
Comment: Has not been previously published as pathogenic or benign to our knowledge; In silico analysis supports that this missense variant does not alter protein structure/function; This variant is associated with the following publications: (PMID: 25512093, 26100331, 25609763, 27535533)